The following is an entry in ClinVar:

NM_005591.4(MRE11):c.1244G>A (p.Gly415Glu)

Gene: MRE11 (MRE11 double strand break repair nuclease; minus strand). Cytogenetic location: 11q21.
Variant type: single nucleotide variant.
Coding change: c.1244G>A on transcript NM_005591.4 (MANE Select); coding-DNA position 1244, G replaced by A.
Protein change: p.Gly415Glu; replaces glycine 415 with glutamic acid.
Molecular consequence: missense variant.
Genome position (GRCh38, 1-based): chr11:94,461,018, C>T on the plus strand (G>A on the coding strand, the complement: MRE11 is on the minus strand). VCF-style: chr11-94461018-C-T. GRCh37 (hg19) VCF-style: chr11-94194184-C-T.
Other names: c.1244G>A, p.Gly415Glu (NM_001330347.2, NM_005590.4); short protein forms G415E.
Identifiers: ClinVar variation 881122 (VCV000881122.6), dbSNP rs1946400969, ClinGen allele CA382372442.

ClinVar aggregate classification (germline): Uncertain significance. Review status: criteria provided, multiple submitters, no conflicts (2 of 4 stars). 3 submissions from 3 submitters: Uncertain significance (3). Last evaluated 2026-02-13.

Conditions:
Hereditary cancer-predisposing syndrome. Also called: Hereditary Cancer Syndrome; Tumor predisposition; Neoplastic Syndromes, Hereditary; Hereditary neoplastic syndrome. Identifiers: Orphanet 140162, MedGen C0027672, MeSH D009386, MONDO:0015356.
Ataxia-telangiectasia-like disorder 1 (ATLD1). Identifiers: Orphanet 251347, MedGen C4012790, MONDO:0024557, OMIM 604391.

Submissions (3):

Ambry Genetics
Classification: Uncertain significance for Hereditary cancer-predisposing syndrome. Last evaluated: 2026-02-13. Review status: criteria provided, single submitter. Criteria: Ambry Variant Classification Scheme 2023. Collection method: clinical testing. Allele origin: germline.
Comment: The p.G415E variant (also known as c.1244G>A), located in coding exon 11 of the MRE11A gene, results from a G to A substitution at nucleotide position 1244. The glycine at codon 415 is replaced by glutamic acid, an amino acid with similar properties. This amino acid position is conserved. In addition, this alteration is predicted to be tolerated by in silico analysis. Based on the available evidence, the clinical significance of this variant remains unclear.

Sema4
Classification: Uncertain significance for Hereditary cancer-predisposing syndrome. Last evaluated: 2022-01-02. Review status: criteria provided, single submitter. Criteria: Sema4 Curation Guidelines. Collection method: curation. Allele origin: germline.
Comment: The MRE11 c.1244G>A (p.G415E) variant has not been reported in the literature to our knowledge. This variant has not been reported in the large and broad cohorts of the Genome Aggregation Database (PMID: 32461654). The variant has been reported in ClinVar (Variation ID 881122). Functional studies have not been performed, and in silico predictions of the variant's effect on protein function are inconclusive. The evidence is insufficient to meet ACMG/AMP criteria for classifying the variant as benign or pathogenic. Thus, the clinical significance of this variant is currently uncertain.

Illumina Laboratory Services, Illumina
Classification: Uncertain significance for Ataxia-telangiectasia-like disorder 1. Last evaluated: 2018-01-13. Review status: criteria provided, single submitter. Criteria: ICSL Variant Classification Criteria 13 December 2019. Collection method: clinical testing. Allele origin: germline.